The following is an entry in ClinVar:

NM_002519.3(NPAT):c.28C>A (p.Leu10Ile)

Gene: NPAT (nuclear protein, coactivator of histone transcription; minus strand). Cytogenetic location: 11q22.3.
Variant type: single nucleotide variant.
Coding change: c.28C>A on transcript NM_002519.3 (MANE Select); coding-DNA position 28, C replaced by A.
Protein change: p.Leu10Ile; replaces leucine 10 with isoleucine.
Molecular consequence: missense variant.
Genome position (GRCh38, 1-based): chr11:108,222,509, G>T on the plus strand (C>A on the coding strand, the complement: NPAT is on the minus strand). VCF-style: chr11-108222509-G-T. GRCh37 (hg19) VCF-style: chr11-108093236-G-T.
Other names: c.28C>A, p.Leu10Ile (NM_001321307.1); short protein forms L10I.
Identifiers: ClinVar variation 1797411 (VCV001797411.2), dbSNP rs2496809998, ClinGen allele CA382517076.

ClinVar aggregate classification (germline): Uncertain significance (1 of 4 stars; one submission).

Allele frequency attached by ClinVar (database versions not stated): gnomAD exomes below 0.00001.
gnomAD v4.1: 1 of 1,613,864 alleles (0.000062%); highest among the groups gnomAD compares: Non-Finnish European, 0.000085%; no homozygotes.

Submission:

Ambry Genetics
Classification: Uncertain significance. Last evaluated: 2022-07-08. Review status: criteria provided, single submitter. Criteria: Ambry Variant Classification Scheme 2023. Collection method: clinical testing. Allele origin: germline.
Comment: The p.L10I variant (also known as c.28C>A), located in coding exon 1 of the NPAT gene, results from a C to A substitution at nucleotide position 28. The leucine at codon 10 is replaced by isoleucine, an amino acid with highly similar properties. This amino acid position is conserved. In addition, the in silico prediction for this alteration is inconclusive. Since supporting evidence is limited at this time, the clinical significance of this alteration remains unclear.